The following is an entry in ClinVar:

ClinVar aggregate classification (germline): Likely benign. Review status: criteria provided, multiple submitters, no conflicts (2 of 4 stars). 3 submissions from 3 submitters: Likely benign (3). Last evaluated 2025-09-20.

Conditions:
Hereditary cancer-predisposing syndrome. Also called: Hereditary Cancer Syndrome; Hereditary neoplastic syndrome; Neoplastic Syndromes, Hereditary; Tumor predisposition. Identifiers: Orphanet 140162, MedGen C0027672, MeSH D009386, MONDO:0015356.
Hereditary breast ovarian cancer syndrome. Also called: BRCA1- and BRCA2-Associated Hereditary Breast and Ovarian Cancer; Hereditary breast and ovarian cancer syndrome (HBOC); Hereditary breast and ovarian cancer syndrome; Breast and ovarian cancer; Hereditary breast and ovarian cancer; Hereditary breast and/or ovarian cancer syndrome. Identifiers: Orphanet 145, MedGen C0677776, MeSH D061325, MONDO:0003582. Disease mechanism: loss of function.
Breast-ovarian cancer, familial, susceptibility to, 1 (BROVCA1). Also called: OVARIAN CANCER, SUSCEPTIBILITY TO; BRCA1 Hereditary Breast and Ovarian Cancer. Identifiers: Orphanet 145, MedGen C2676676, MONDO:0011450, OMIM 604370. Disease mechanism: loss of function.

Allele frequency attached by ClinVar (database versions not stated): gnomAD exomes below 0.00001.
gnomAD v4.1: 2 of 1,613,796 alleles (0.00012%); highest among the groups gnomAD compares: Non-Finnish European, 0.00017%; no homozygotes.

Submissions (4):

Labcorp Genetics (formerly Invitae), Labcorp
Classification: Likely benign for Hereditary breast ovarian cancer syndrome. Last evaluated: 2025-09-20. Review status: criteria provided, single submitter. Criteria: Invitae Variant Classification Sherloc (09022015). Collection method: clinical testing. Allele origin: germline.

All of Us Research Program, National Institutes of Health
Classification: Likely benign for Breast-ovarian cancer, familial, susceptibility to, 1. Last evaluated: 2023-05-16. Review status: criteria provided, single submitter. Criteria: ACMG Guidelines, 2015. Collection method: clinical testing. Allele origin: germline. Inheritance: Autosomal dominant inheritance. Observed: 1 variant allele, 1 heterozygote.
Comment: This study involves interpretation of variants in research participants for the purpose of population health screening. Participant phenotype was not available at the time of variant classification. Additional details can be found in publication PMID: 35346344, PMCID: PMC8962531

Ambry Genetics
Classification: Likely benign for Hereditary cancer-predisposing syndrome. Last evaluated: 2020-09-01. Review status: criteria provided, single submitter. Criteria: Ambry Variant Classification Scheme 2023. Collection method: clinical testing. Allele origin: germline.

Brotman Baty Institute, University of Washington
No classification provided (evidence only). Condition: Breast-ovarian cancer, familial 1. Review status: no classification provided. Collection method: in vitro. Allele origin: not applicable. Functional consequence: functionally_normal. Not counted in ClinVar's aggregate classification.
ClinVar note: "not provided" was previously submitted as the classification for the variant. However, the classification appeared to be based only on an observation of functional data so it was converted to no classification on 2025-07-30.

Literature cited by the submitters: PubMed 30209399 (cited by Ambry Genetics).

NM_007294.4(BRCA1):c.5075-4G>T

Gene: BRCA1 (BRCA1 DNA repair associated; minus strand). Cytogenetic location: 17q21.31.
Variant type: single nucleotide variant.
Coding change: c.5075-4G>T on transcript NM_007294.4 (MANE Select); 4 bases into the intron before coding-DNA position 5075, G replaced by T.
Molecular consequence: intron variant.
Genome position (GRCh38, 1-based): chr17:43,063,955, C>A on the plus strand (G>T on the coding strand, the complement: BRCA1 is on the minus strand). VCF-style: chr17-43063955-C-A. GRCh37 (hg19) VCF-style: chr17-41215972-C-A.
Other names: c.1760-4G>T (NM_001408402.1, NM_001408473.1, NM_001408399.1 and 8 more transcripts); c.1763-4G>T (NM_001407984.1, NM_001407983.1, NM_001407992.1 and 12 more transcripts); c.5066-4G>T (NM_001407645.1, NM_001407644.1); c.5069-4G>T (NM_001407628.1, NM_001407637.1, NM_001407641.1 and 14 more transcripts); c.5072-4G>T (NM_001407860.1, NM_001407611.1, NM_001407624.1 and 17 more transcripts); c.5135-4G>T (NM_001407590.1, NM_001407591.1); c.1640-4G>T (NM_001408443.1, NM_001408439.1, NM_001408434.1 and 10 more transcripts); c.1643-4G>T (NM_001408425.1, NM_001408428.1, NM_001408429.1 and 4 more transcripts); and 73 more.
Identifiers: ClinVar variation 825418 (VCV000825418.17), dbSNP rs397509220, ClinGen allele CA915950083.